The following is an entry in ClinVar:

ClinVar aggregate classification (germline): Pathogenic/Likely pathogenic. Review status: criteria provided, multiple submitters, no conflicts (2 of 4 stars). 6 submissions from 6 submitters: Pathogenic (2); Likely pathogenic (4). Last evaluated 2025-12-22.

Conditions:
Hermansky-Pudlak syndrome (HPS). Also called: ALBINISM WITH HEMORRHAGIC DIATHESIS AND PIGMENTED RETICULOENDOTHELIAL CELLS. Identifiers: Orphanet 79430, MedGen C0079504, MONDO:0019312.
Hermansky-Pudlak syndrome 1 (HPS1). Also called: DELTA STORAGE POOL DISEASE. Identifiers: Orphanet 231500, Orphanet 79430, MedGen C2931875, MONDO:0008748, OMIM 203300.

Allele frequency attached by ClinVar (database versions not stated): TOPMed below 0.00001; gnomAD 0.00001; gnomAD exomes 0.00001 and 0.00002.
gnomAD v4.1: 26 of 1,605,642 alleles (0.0016%); highest among the groups gnomAD compares: Non-Finnish European, 0.002%; no homozygotes.

Submissions (6):

Labcorp Genetics (formerly Invitae), Labcorp
Classification: Pathogenic. Last evaluated: 2025-12-22. Review status: criteria provided, single submitter. Criteria: Invitae Variant Classification Sherloc (09022015). Collection method: clinical testing. Allele origin: germline.
Comment: This sequence change affects an acceptor splice site in intron 17 of the HPS1 gene. It is expected to disrupt RNA splicing. Variants that disrupt the donor or acceptor splice site typically lead to a loss of protein function (PMID: 16199547), and loss-of-function variants in HPS1 are known to be pathogenic (PMID: 12442288, 16185271). This variant is present in population databases (rs281865088, gnomAD 0.003%). Disruption of this splice site has been observed in individuals with Hermansky-Pudlak syndrome (PMID: 29941477, 31064749, 33423334). ClinVar contains an entry for this variant (Variation ID: 21097). Algorithms developed to predict the effect of sequence changes on RNA splicing suggest that this variant may disrupt the consensus splice site. For these reasons, this variant has been classified as Pathogenic.

Myriad Genetics, Inc.
Classification: Likely pathogenic for Hermansky-Pudlak syndrome 1. Last evaluated: 2025-09-04. Review status: criteria provided, single submitter. Criteria: Myriad Autosomal Dominant, Autosomal Recessive and X-Linked Classification Criteria (2023). Collection method: clinical testing. Allele origin: unknown.
Comment: NM_000195.3(HPS1):c.1744-2A>C is a variant in a canonical splice site classified as likely pathogenic in the context of Hermansky-Pudlak syndrome, HPS1-related. c.1744-2A>C has been observed in cases with relevant disease (PMID: 29345414, 33423334, 2994147). Relevant functional assessments of this variant are not available in the literature. c.1744-2A>C has been observed in referenced population frequency databases. In summary, NM_000195.3(HPS1):c.1744-2A>C is a variant in a canonical splice site that has been observed more frequently in cases with the relevant disease than in healthy populations. Please note: this variant was assessed in the context of healthy population screening.

Natera, Inc.
Classification: Likely pathogenic for Hermansky-Pudlak syndrome. Last evaluated: 2025-02-25. Review status: criteria provided, single submitter. Criteria: Natera Variant Classification Schema (03/2026). Collection method: clinical testing. Allele origin: germline.
Comment: The c.1744-2A>C variant in HPS1 is a canonical splice acceptor site variant predicted to affect pre-mRNA splicing, which may result in an abnormal transcript and altered protein product. This variant may result in a truncated or dysfunctional protein product. This variant is rare in the general population with a frequency below the threshold expected for the associated phenotype(s). This variant has been observed in one or more individuals affected with the associated recessive disease, as either homozygous or compound heterozygous with a second variant (PMID: 29345414, 10631210, 29941477). Functional studies show that this variant may disrupt protein function (PMID: 10631210). Given the available evidence, this variant is classified as Likely Pathogenic.

Baylor Genetics
Classification: Pathogenic for Hermansky-Pudlak syndrome 1. Last evaluated: 2023-11-14. Review status: criteria provided, single submitter. Criteria: ACMG Guidelines, 2015. Collection method: clinical testing. Allele origin: unknown.

Fulgent Genetics
Classification: Likely pathogenic for Hermansky-Pudlak syndrome 1. Last evaluated: 2021-10-16. Review status: criteria provided, single submitter. Criteria: ACMG Guidelines, 2015. Collection method: clinical testing. Allele origin: unknown.

NIHR Bioresource Rare Diseases, University of Cambridge
Classification: Likely pathogenic for Hermansky-Pudlak syndrome. Last evaluated: 2019-02-01. Review status: criteria provided, single submitter. Criteria: ACMG Guidelines, 2015. Collection method: research. Allele origin: unknown. Affected: yes. Observed: 1 compound heterozygote. Study: ThromboGenomics.

Literature cited by the submitters: PubMed 16199547 (cited by Labcorp Genetics (formerly Invitae), Labcorp); PubMed 12442288 (cited by Labcorp Genetics (formerly Invitae), Labcorp); PubMed 16185271 (cited by Labcorp Genetics (formerly Invitae), Labcorp); PubMed 29941477 (cited by Labcorp Genetics (formerly Invitae), Labcorp and Natera, Inc.); PubMed 31064749 (cited by Labcorp Genetics (formerly Invitae), Labcorp and NIHR Bioresource Rare Diseases, University of Cambridge); PubMed 33423334 (cited by Labcorp Genetics (formerly Invitae), Labcorp and Myriad Genetics, Inc.); PubMed 29345414 (cited by Myriad Genetics, Inc. and Natera, Inc.); PubMed 2994147 (cited by Myriad Genetics, Inc.); PubMed 10631210 (cited by Natera, Inc.).

NM_000195.5(HPS1):c.1744-2A>C

Gene: HPS1 (HPS1 biogenesis of lysosomal organelles complex 3 subunit 1; minus strand). Cytogenetic location: 10q24.2.
Variant type: single nucleotide variant.
Coding change: c.1744-2A>C on transcript NM_000195.5 (MANE Select); the canonical splice acceptor site of the intron before coding-DNA position 1744, A replaced by C.
Molecular consequence: splice acceptor variant.
Genome position (GRCh38, 1-based): chr10:98,420,160, T>G on the plus strand (A>C on the coding strand, the complement: HPS1 is on the minus strand). VCF-style: chr10-98420160-T-G. GRCh37 (hg19) VCF-style: chr10-100179917-T-G.
Other names: c.1375-2A>C (NM_001322483.2, NM_001322484.2); c.1483-2A>C (NM_001322480.2, NM_001322481.2); c.1645-2A>C (NM_001322478.2, NM_001322479.2); c.1744-2A>C (NM_001322476.2, NM_001322477.2); c.1276-2A>C (NM_001322485.2); c.1384-2A>C (NM_001322482.2); c.772-2A>C (NM_001322489.2, NM_001311345.2, NM_001322487.2).
Identifiers: ClinVar variation 21097 (VCV000021097.19), dbSNP rs281865088, ClinGen allele CA341625.